The following is an entry in ClinVar:

NM_000492.4(CFTR):c.1487G>A (p.Trp496Ter)

Genes: CFTR-AS1 (CFTR antisense RNA 1; minus strand), CFTR (CF transmembrane conductance regulator; plus strand). Cytogenetic location: 7q31.2.
Variant type: single nucleotide variant.
Coding change: c.1487G>A on transcript NM_000492.4 (MANE Select); coding-DNA position 1487, G replaced by A.
Protein change: p.Trp496Ter; replaces tryptophan 496 with a stop codon.
Molecular consequence: nonsense.
Genome position (GRCh38, 1-based): chr7:117,559,558, G>A. VCF-style: chr7-117559558-G-A. GRCh37 (hg19) VCF-style: chr7-117199612-G-A.
Other names: short protein forms W496*.
Identifiers: ClinVar variation 53265 (VCV000053265.14), dbSNP rs397508216, ClinGen allele CA326501.

ClinVar aggregate classification (germline): Pathogenic. Review status: reviewed by expert panel (3 of 4 stars). 7 submissions from 7 submitters: Pathogenic (1). 6 of the submissions do not count toward it. Last evaluated 2017-03-17.

Conditions:
CFTR-related disorder (CFTR-RD). Also called: CFTR-related condition; CFTR-related disorders. Identifiers: MedGen C5924204, MONDO:7770004.
Cystic fibrosis (CF). Also called: MUCOVISCIDOSIS. Identifiers: Orphanet 586, MedGen C0010674, MONDO:0009061, OMIM 219700. Disease mechanism: loss of function.

Allele frequency attached by ClinVar (database versions not stated): gnomAD exomes below 0.00001.
gnomAD v4.1: 1 of 1,612,180 alleles (0.000062%); highest among the groups gnomAD compares: Non-Finnish European, 0.000085%; no homozygotes.

Submissions (7):

CFTR2
Classification: Pathogenic for Cystic fibrosis. Last evaluated: 2017-03-17. Review status: reviewed by expert panel. Criteria: Sosnay PR et al. (Nat Genet 2013). Collection method: research. Allele origin: germline. Affected: yes. Study: CFTR2.

Natera, Inc.
Classification: Pathogenic for CFTR-related disorders. Last evaluated: 2024-03-20. Review status: criteria provided, single submitter. Criteria: Natera Variant Classification Schema (03/2026). Collection method: clinical testing. Allele origin: germline. Not counted in ClinVar's aggregate classification.
Comment: The c.1487G>A variant in CFTR is a nonsense variant predicted to introduce a stop codon at amino acid 496. This variant is expected to result in nonsense mediated decay, truncation, or a dysfunctional protein product. This variant is rare in the general population with a frequency below the threshold expected for the associated phenotype(s). This variant has been observed in one or more individuals affected with the associated recessive disease, as either homozygous or compound heterozygous with a second variant (PMID: 36272381, 15176679). Given the available evidence, this variant is classified as Pathogenic.

Blueprint Genetics
Classification: Pathogenic for CFTR-related disorders. Last evaluated: 2023-01-13. Review status: criteria provided, single submitter. Criteria: ACMG Guidelines, 2015. Collection method: clinical testing. Allele origin: germline. Affected: yes. Observed: 1 variant allele. Not counted in ClinVar's aggregate classification.

Ambry Genetics
Classification: Pathogenic for Cystic fibrosis. Last evaluated: 2022-12-03. Review status: criteria provided, single submitter. Criteria: Ambry Variant Classification Scheme 2023. Collection method: clinical testing. Allele origin: germline. Not counted in ClinVar's aggregate classification.
Comment: The p.W496* pathogenic mutation (also known as c.1487G>A), located in coding exon 11 of the CFTR gene, results from a G to A substitution at nucleotide position 1487. This changes the amino acid from a tryptophan to a stop codon within coding exon 11. This alteration has been identified in individuals diagnosed with cystic fibrosis (Kanavakis E et al. Clin Genet, 2003 May;63:400-9; Decaestecker K et al. Eur Respir J, 2004 May;23:679-84). This variant is considered to be rare based on population cohorts in the Genome Aggregation Database (gnomAD). This alteration is expected to result in loss of function by premature protein truncation or nonsense-mediated mRNA decay. As such, this alteration is interpreted as a disease-causing mutation.

Labcorp Genetics (formerly Invitae), Labcorp
Classification: Pathogenic for Cystic fibrosis. Last evaluated: 2021-08-12. Review status: criteria provided, single submitter. Criteria: Invitae Variant Classification Sherloc (09022015). Collection method: clinical testing. Allele origin: germline. Not counted in ClinVar's aggregate classification.
Comment: For these reasons, this variant has been classified as Pathogenic. Algorithms developed to predict the effect of sequence changes on RNA splicing suggest that this variant may create or strengthen a splice site, but this prediction has not been confirmed by published transcriptional studies. This variant has been observed in individual(s) with cystic fibrosis (PMID: 15176679, 7531541, 12752573). This variant is also known as c.1619G>A. ClinVar contains an entry for this variant (Variation ID: 53265). This variant is not present in population databases (ExAC no frequency). This sequence change creates a premature translational stop signal (p.Trp496*) in the CFTR gene. It is expected to result in an absent or disrupted protein product. Loss-of-function variants in CFTR are known to be pathogenic (PMID: 1695717, 7691345, 9725922).

Counsyl
Classification: Pathogenic for Cystic fibrosis. Last evaluated: 2017-09-19. Review status: no assertion criteria provided. Collection method: clinical testing. Allele origin: unknown. Not counted in ClinVar's aggregate classification.

ClinVar Staff, National Center for Biotechnology Information (NCBI)
No classification provided. Condition: CFTR-related disorders. Review status: no classification provided. Collection method: literature only. Allele origin: germline. Affected: yes. Not counted in ClinVar's aggregate classification.

Literature cited by the submitters: PubMed 36272381 (cited by Natera, Inc.); PubMed 15176679 (cited by 4 submitters); PubMed 12752573 (cited by 3 submitters); PubMed 7531541 (cited by Labcorp Genetics (formerly Invitae), Labcorp); PubMed 1695717 (cited by Labcorp Genetics (formerly Invitae), Labcorp); PubMed 7691345 (cited by Labcorp Genetics (formerly Invitae), Labcorp); PubMed 9725922 (cited by Labcorp Genetics (formerly Invitae), Labcorp); PubMed 9259197 (cited by Counsyl); PubMed 18456578 (cited by ClinVar Staff, National Center for Biotechnology Information (NCBI)).